The following is an entry in ClinVar:

NM_000428.3(LTBP2):c.4807C>T (p.Arg1603Cys)

Gene: LTBP2 (latent transforming growth factor beta binding protein 2; minus strand). Cytogenetic location: 14q24.3.
Variant type: single nucleotide variant.
Coding change: c.4807C>T on transcript NM_000428.3 (MANE Select); coding-DNA position 4807, C replaced by T.
Protein change: p.Arg1603Cys; replaces arginine 1603 with cysteine.
Molecular consequence: missense variant.
Genome position (GRCh38, 1-based): chr14:74,503,300, G>A on the plus strand (C>T on the coding strand, the complement: LTBP2 is on the minus strand). VCF-style: chr14-74503300-G-A. GRCh37 (hg19) VCF-style: chr14-74970003-G-A.
Other names: c.4807C>T (NM_000428.2); short protein forms R1603C.
Identifiers: ClinVar variation 1487634 (VCV001487634.5), dbSNP rs768752689, ClinGen allele CA7268627.

ClinVar aggregate classification (germline): Uncertain significance. Review status: criteria provided, multiple submitters, no conflicts (2 of 4 stars). 2 submissions from 2 submitters: Uncertain significance (2). Last evaluated 2024-03-16.

Conditions:
Inborn genetic diseases. Identifiers: MedGen C0950123, MeSH D030342.

Allele frequency attached by ClinVar (database versions not stated): ExAC 0.00001; gnomAD 0.00001; gnomAD exomes 0.00001 and 0.00003; TOPMed 0.00002.
gnomAD v4.1: 54 of 1,613,866 alleles (0.0033%); highest among the groups gnomAD compares: East Asian, 0.0045%; no homozygotes.

Submissions (2):

Labcorp Genetics (formerly Invitae), Labcorp
Classification: Uncertain significance. Last evaluated: 2024-03-16. Review status: criteria provided, single submitter. Criteria: Invitae Variant Classification Sherloc (09022015). Collection method: clinical testing. Allele origin: germline.
Comment: This sequence change replaces arginine, which is basic and polar, with cysteine, which is neutral and slightly polar, at codon 1603 of the LTBP2 protein (p.Arg1603Cys). This variant is present in population databases (rs768752689, gnomAD 0.003%). This variant has not been reported in the literature in individuals affected with LTBP2-related conditions. ClinVar contains an entry for this variant (Variation ID: 1487634). An algorithm developed to predict the effect of missense changes on protein structure and function (PolyPhen-2) suggests that this variant is likely to be disruptive. In summary, the available evidence is currently insufficient to determine the role of this variant in disease. Therefore, it has been classified as a Variant of Uncertain Significance.

Ambry Genetics
Classification: Uncertain significance for Inborn genetic diseases. Last evaluated: 2024-01-17. Review status: criteria provided, single submitter. Criteria: Ambry Variant Classification Scheme 2023. Collection method: clinical testing. Allele origin: germline.